The following is an entry in ClinVar:

ClinVar aggregate classification (germline): Conflicting classifications of pathogenicity. Review status: criteria provided, conflicting classifications (1 of 4 stars). 3 submissions from 3 submitters: Uncertain significance (1); Likely benign (2). Last evaluated 2026-03-01.

Allele frequency attached by ClinVar (database versions not stated): gnomAD exomes 0.00007; ExAC 0.00029; 1000 Genomes Project 30x 0.00047; 1000 Genomes Project 0.00060; ESP Exome Variant Server 0.00077; gnomAD 0.00088; TOPMed 0.00088.
gnomAD v4.1: 249 of 1,611,164 alleles (0.015%); highest among the groups gnomAD compares: African/African-American, 0.26%; 2 homozygotes.

Submissions (3):

CeGaT Center for Human Genetics Tuebingen
Classification: Likely benign. Last evaluated: 2026-03-01. Review status: criteria provided, single submitter. Criteria: CeGaT Center For Human Genetics Tuebingen Variant Classification Criteria Version 2. Collection method: clinical testing. Allele origin: germline. Affected: yes. Observed: 1 variant allele.
Comment: CASZ1: BP4, BS2

Ambry Genetics
Classification: Uncertain significance. Last evaluated: 2025-08-12. Review status: criteria provided, single submitter. Criteria: Ambry Variant Classification Scheme 2023. Collection method: clinical testing. Allele origin: germline.

Labcorp Genetics (formerly Invitae), Labcorp
Classification: Likely benign. Last evaluated: 2024-02-22. Review status: criteria provided, single submitter. Criteria: Invitae Variant Classification Sherloc (09022015). Collection method: clinical testing. Allele origin: germline.

NM_001079843.3(CASZ1):c.2922C>G (p.Ile974Met)

Gene: CASZ1 (castor zinc finger 1; minus strand). Cytogenetic location: 1p36.22.
Variant type: single nucleotide variant.
Coding change: c.2922C>G on transcript NM_001079843.3 (MANE Select); coding-DNA position 2922, C replaced by G.
Protein change: p.Ile974Met; replaces isoleucine 974 with methionine.
Molecular consequence: missense variant.
Genome position (GRCh38, 1-based): chr1:10,649,396, G>C on the plus strand (C>G on the coding strand, the complement: CASZ1 is on the minus strand). VCF-style: chr1-10649396-G-C. GRCh37 (hg19) VCF-style: chr1-10709453-G-C.
Other names: c.2922C>G, p.Ile974Met (NM_017766.5); c.2922C>G (NM_001079843.1); short protein forms I974M.
Identifiers: ClinVar variation 2052254 (VCV002052254.9), dbSNP rs138289719, ClinGen allele CA584668.
Genomic context (GRCh38, chr1:10,649,396, plus strand): 5'-CACGGCCTTGCCTAGGAAGGGCGAGGGCTCCGCAGCGGGGCTCCCCTCCGCTTCCGCCTT[G>C]ATGTTCAGCAGGCTGCCCAGGCCAGGGTTGCCCTGAGACATCTGTGAGGGACAGAGGCCG-3'
Protein context (NP_001073312.1, residues 964-984): GNPGLGSLLN[Ile974Met]KAEAEGSPAA